The following is an entry in ClinVar:

ClinVar aggregate classification (germline): Uncertain significance (1 of 4 stars; one submission).

Submission:

Labcorp Genetics (formerly Invitae), Labcorp
Classification: Uncertain significance. Last evaluated: 2022-03-04. Review status: criteria provided, single submitter. Criteria: Invitae Variant Classification Sherloc (09022015). Collection method: clinical testing. Allele origin: germline.
Comment: This sequence change replaces tyrosine, which is neutral and polar, with serine, which is neutral and polar, at codon 1221 of the EPRS protein (p.Tyr1221Ser). This variant is not present in population databases (gnomAD no frequency). This variant has not been reported in the literature in individuals affected with EPRS-related conditions. Algorithms developed to predict the effect of missense changes on protein structure and function are either unavailable or do not agree on the potential impact of this missense change (SIFT: "Deleterious"; PolyPhen-2: "Possibly Damaging"; Align-GVGD: "Class C0"). In summary, the available evidence is currently insufficient to determine the role of this variant in disease. Therefore, it has been classified as a Variant of Uncertain Significance.

NM_004446.3(EPRS1):c.3662A>C (p.Tyr1221Ser)

Gene: EPRS1 (glutamyl-prolyl-tRNA synthetase 1; minus strand). Cytogenetic location: 1q41.
Variant type: single nucleotide variant.
Coding change: c.3662A>C on transcript NM_004446.3 (MANE Select); coding-DNA position 3662, A replaced by C.
Protein change: p.Tyr1221Ser; replaces tyrosine 1221 with serine.
Molecular consequence: missense variant.
Genome position (GRCh38, 1-based): chr1:219,980,134, T>G on the plus strand (A>C on the coding strand, the complement: EPRS1 is on the minus strand). VCF-style: chr1-219980134-T-G. GRCh37 (hg19) VCF-style: chr1-220153476-T-G.
Other names: short protein forms Y1221S.
Identifiers: ClinVar variation 2104765 (VCV002104765.4), dbSNP rs571460083, ClinGen allele CA344634172.